The following is an entry in ClinVar:

NM_000503.6(EYA1):c.1046G>T (p.Gly349Val)

Gene: EYA1 (EYA transcriptional coactivator and phosphatase 1; minus strand). Cytogenetic location: 8q13.3.
Variant type: single nucleotide variant.
Coding change: c.1046G>T on transcript NM_000503.6 (MANE Select); coding-DNA position 1046, G replaced by T.
Protein change: p.Gly349Val; replaces glycine 349 with valine.
Molecular consequence: missense variant.
Genome position (GRCh38, 1-based): chr8:71,269,744, C>A on the plus strand (G>T on the coding strand, the complement: EYA1 is on the minus strand). VCF-style: chr8-71269744-C-A. GRCh37 (hg19) VCF-style: chr8-72181979-C-A.
Other names: c.1028G>T, p.Gly343Val (NM_001288574.2); c.680G>T, p.Gly227Val (NM_001288575.2); c.1133G>T, p.Gly378Val (NM_001370333.1); c.1046G>T, p.Gly349Val (NM_001370334.1, NM_001370335.1, NM_172058.4); c.1115G>T, p.Gly372Val (NM_001370336.1); c.1118G>T, p.Gly373Val (NM_172059.5); short protein forms G227V, G343V, G349V, G372V, G373V, G378V.
Identifiers: ClinVar variation 1311165 (VCV001311165.2), dbSNP rs2128948109, ClinGen allele CA371468215.

ClinVar aggregate classification (germline): Uncertain significance (1 of 4 stars; one submission).

Submission:

GeneDx
Classification: Uncertain significance. Last evaluated: 2020-09-10. Review status: criteria provided, single submitter. Criteria: GeneDx Variant Classification Process June 2021. Collection method: clinical testing. Allele origin: germline. Affected: yes.
Comment: Not observed in large population cohorts (Lek et al., 2016); In silico analysis, which includes protein predictors and evolutionary conservation, supports a deleterious effect; Has not been previously published as pathogenic or benign to our knowledge